The following is an entry in ClinVar:

ClinVar aggregate classification (germline): Uncertain significance (1 of 4 stars; one submission).

Conditions:
NRP1-related disorder. Also called: NRP1-related condition.

gnomAD v4.1: 4 of 1,595,164 alleles (0.00025%); highest among the groups gnomAD compares: Non-Finnish European, 0.00034%; no homozygotes.

Submission:

PreventionGenetics, part of Exact Sciences
Classification: Uncertain significance for NRP1-related condition. Last evaluated: 2025-06-26. Review status: criteria provided, single submitter. Criteria: ACMG Guidelines, 2015. Collection method: clinical testing. Allele origin: germline.
Comment: The NRP1 c.434C>G variant is predicted to result in the amino acid substitution p.Pro145Arg. To our knowledge, this variant has not been reported in the literature or in a large population database (gnomAD), indicating this variant is rare. At this time, the clinical significance of this variant is uncertain due to the absence of conclusive functional and genetic evidence.

NM_003873.7(NRP1):c.434C>G (p.Pro145Arg)

Genes: NRP1 (neuropilin 1; minus strand), LOC126860910 (P300/CBP strongly-dependent group 1 enhancer GRCh37_chr10:33552654-33553853; plus strand). Cytogenetic location: 10p11.22.
Variant type: single nucleotide variant.
Coding change: c.434C>G on transcript NM_003873.7 (MANE Select); coding-DNA position 434, C replaced by G.
Protein change: p.Pro145Arg; replaces proline 145 with arginine.
Molecular consequence: missense variant. On other transcripts: non-coding transcript variant (1).
Genome position (GRCh38, 1-based): chr10:33,263,870, G>C on the plus strand (C>G on the coding strand, the complement: NRP1 is on the minus strand). VCF-style: chr10-33263870-G-C. GRCh37 (hg19) VCF-style: chr10-33552798-G-C.
Other names: c.434C>G, p.Pro145Arg (NM_001024628.3, NM_001024629.3, NM_001244972.2 and 2 more transcripts); short protein forms P145R.
Identifiers: ClinVar variation 5001480 (VCV005001480.1).